The following is an entry in ClinVar:

ClinVar aggregate classification (germline): Conflicting classifications of pathogenicity. Review status: criteria provided, conflicting classifications (1 of 4 stars). 3 submissions from 3 submitters: Uncertain significance (2); Likely benign (1). Last evaluated 2024-03-06.

Conditions:
Hereditary cancer-predisposing syndrome. Also called: Neoplastic Syndromes, Hereditary; Tumor predisposition; Hereditary Cancer Syndrome; Hereditary neoplastic syndrome. Identifiers: Orphanet 140162, MedGen C0027672, MeSH D009386, MONDO:0015356.
Familial cancer of breast. Also called: BREAST CANCER, FAMILIAL; hereditary breast carcinoma; Hereditary breast cancer. Identifiers: Orphanet 227535, MedGen C0346153, MONDO:0016419, OMIM 114480. Disease mechanism: loss of function.

Allele frequency attached by ClinVar (database versions not stated): gnomAD exomes below 0.00001; gnomAD 0.00001; TOPMed 0.00001.
gnomAD v4.1: 1 of 1,614,112 alleles (0.000062%); highest among the groups gnomAD compares: African/African-American, 0.0013%; no homozygotes.

Submissions (3):

Color Diagnostics, LLC DBA Color Health
Classification: Uncertain significance for Hereditary cancer-predisposing syndrome. Last evaluated: 2024-03-06. Review status: criteria provided, single submitter. Criteria: ACMG Guidelines, 2015. Collection method: clinical testing. Allele origin: germline.
Comment: This missense variant replaces aspartic acid with glutamic acid at codon 727 of the BARD1 protein. Computational prediction suggests that this variant may not impact protein structure and function (internally defined REVEL score threshold <= 0.5, PMID: 27666373). To our knowledge, functional studies have not been reported for this variant. This variant has not been reported in individuals affected with hereditary cancer in the literature. This variant has been identified in 1/251350 chromosomes in the general population by the Genome Aggregation Database (gnomAD). The available evidence is insufficient to determine the role of this variant in disease conclusively. Therefore, this variant is classified as a Variant of Uncertain Significance.

Ambry Genetics
Classification: Likely benign for Hereditary cancer-predisposing syndrome. Last evaluated: 2024-02-22. Review status: criteria provided, single submitter. Criteria: Ambry Variant Classification Scheme 2023. Collection method: clinical testing. Allele origin: germline.

Labcorp Genetics (formerly Invitae), Labcorp
Classification: Uncertain significance for Familial cancer of breast. Last evaluated: 2023-08-25. Review status: criteria provided, single submitter. Criteria: Invitae Variant Classification Sherloc (09022015). Collection method: clinical testing. Allele origin: germline.
Comment: This sequence change replaces aspartic acid, which is acidic and polar, with glutamic acid, which is acidic and polar, at codon 727 of the BARD1 protein (p.Asp727Glu). This variant is present in population databases (no rsID available, gnomAD 0.007%). This variant has not been reported in the literature in individuals affected with BARD1-related conditions. ClinVar contains an entry for this variant (Variation ID: 233660). Algorithms developed to predict the effect of missense changes on protein structure and function output the following: SIFT: "Not Available"; PolyPhen-2: "Benign"; Align-GVGD: "Not Available". The glutamic acid amino acid residue is found in multiple mammalian species, which suggests that this missense change does not adversely affect protein function. In summary, the available evidence is currently insufficient to determine the role of this variant in disease. Therefore, it has been classified as a Variant of Uncertain Significance.

NM_000465.4(BARD1):c.2181T>G (p.Asp727Glu)

Gene: BARD1 (BRCA1 associated RING domain 1; minus strand). Cytogenetic location: 2q35.
Variant type: single nucleotide variant.
Coding change: c.2181T>G on transcript NM_000465.4 (MANE Select); coding-DNA position 2181, T replaced by G.
Protein change: p.Asp727Glu; replaces aspartic acid 727 with glutamic acid.
Molecular consequence: missense variant. On other transcripts: non-coding transcript variant (3).
Genome position (GRCh38, 1-based): chr2:214,728,829, A>C on the plus strand (T>G on the coding strand, the complement: BARD1 is on the minus strand). VCF-style: chr2-214728829-A-C. GRCh37 (hg19) VCF-style: chr2-215593553-A-C.
Other names: c.2124T>G, p.Asp708Glu (NM_001282543.2); c.828T>G, p.Asp276Glu (NM_001282545.2); c.771T>G, p.Asp257Glu (NM_001282548.2); c.642T>G, p.Asp214Glu (NM_001282549.2); short protein forms D727E, D214E, D708E, D257E, D276E.
Identifiers: ClinVar variation 233660 (VCV000233660.14), dbSNP rs876660554, ClinGen allele CA10577764.
Genomic context (GRCh38, chr2:214,728,829, plus strand): 5'-TGGGTGATAATTACACAAATCTTCATAGATGATATACTGTGTGCAGAAGCGCTGATCAGA[A>C]TCGGGTCTCGCATGGTATGCGACTGTATTGATGGTCTGAGTCACGTCACTGTCTGGCTTG-3'
Protein context (NP_000456.2, residues 717-737): INTVAYHARP[Asp727Glu]SDQRFCTQYI